The following is an entry in ClinVar:

ClinVar aggregate classification (germline): Uncertain significance. Review status: criteria provided, multiple submitters, no conflicts (2 of 4 stars). 2 submissions from 2 submitters: Uncertain significance (2). Last evaluated 2025-05-02.

Conditions:
Inborn genetic diseases. Identifiers: MedGen C0950123, MeSH D030342.

gnomAD v4.1: 4 of 1,612,912 alleles (0.00025%); highest among the groups gnomAD compares: African/African-American, 0.0027%; no homozygotes.

Submissions (2):

Ambry Genetics
Classification: Uncertain significance for Inborn genetic diseases. Last evaluated: 2025-05-02. Review status: criteria provided, single submitter. Criteria: Ambry Variant Classification Scheme 2023. Collection method: clinical testing. Allele origin: germline.

Labcorp Genetics (formerly Invitae), Labcorp
Classification: Uncertain significance. Last evaluated: 2024-05-13. Review status: criteria provided, single submitter. Criteria: Invitae Variant Classification Sherloc (09022015). Collection method: clinical testing. Allele origin: germline.
Comment: This sequence change replaces aspartic acid, which is acidic and polar, with asparagine, which is neutral and polar, at codon 334 of the CACNA2D4 protein (p.Asp334Asn). This variant is present in population databases (no rsID available, gnomAD 0.01%). This variant has not been reported in the literature in individuals affected with CACNA2D4-related conditions. An algorithm developed to predict the effect of missense changes on protein structure and function (PolyPhen-2) suggests that this variant is likely to be tolerated. In summary, the available evidence is currently insufficient to determine the role of this variant in disease. Therefore, it has been classified as a Variant of Uncertain Significance.

NM_172364.5(CACNA2D4):c.1000G>A (p.Asp334Asn)

Gene: CACNA2D4 (calcium voltage-gated channel auxiliary subunit alpha2delta 4; minus strand). Cytogenetic location: 12p13.33.
Variant type: single nucleotide variant.
Coding change: c.1000G>A on transcript NM_172364.5 (MANE Select); coding-DNA position 1000, G replaced by A.
Protein change: p.Asp334Asn; replaces aspartic acid 334 with asparagine.
Molecular consequence: missense variant.
Genome position (GRCh38, 1-based): chr12:1,886,033, C>T on the plus strand (G>A on the coding strand, the complement: CACNA2D4 is on the minus strand). VCF-style: chr12-1886033-C-T. GRCh37 (hg19) VCF-style: chr12-1995199-C-T.
Other names: c.1000G>A (NM_172364.4); short protein forms D334N.
Identifiers: ClinVar variation 3702289 (VCV003702289.3).